The following is an entry in ClinVar:

ClinVar aggregate classification (germline): Pathogenic (1 of 4 stars; one submission).

Conditions:
Glycogen storage disease, type II (IOPD). Also called: GLYCOGENOSIS, GENERALIZED, CARDIAC FORM; GSD II; Glucosidase acid-1,4-alpha deficiency; Pompe Disease; Glycogen storage disease type 2; Acid maltase deficiency disease. Identifiers: Orphanet 365, MedGen C0017921, MONDO:0009290, OMIM 232300.

Submission:

Labcorp Genetics (formerly Invitae), Labcorp
Classification: Pathogenic for Glycogen storage disease, type II. Last evaluated: 2020-05-07. Review status: criteria provided, single submitter. Criteria: Invitae Variant Classification Sherloc (09022015). Collection method: clinical testing. Allele origin: germline.
Comment: For these reasons, this variant has been classified as Pathogenic. Loss-of-function variants in GAA are known to be pathogenic (PMID: 18425781, 22252923). This variant has not been reported in the literature in individuals with GAA-related conditions. This variant is not present in population databases (ExAC no frequency). This sequence change creates a premature translational stop signal (p.Tyr569Leufs*67) in the GAA gene. It is expected to result in an absent or disrupted protein product.

Literature cited by the submitters: PubMed 18425781; PubMed 22252923.

NM_000152.5(GAA):c.1704dup (p.Tyr569fs)

Gene: GAA (alpha glucosidase; plus strand). Cytogenetic location: 17q25.3.
Variant type: Duplication.
Coding change: c.1704dup on transcript NM_000152.5 (MANE Select); coding-DNA position 1704, one base duplicated (C; older notation c.1704dupC).
Protein change: p.Tyr569fs; shifts the reading frame from tyrosine 569.
Molecular consequence: frameshift variant.
Genome position (GRCh38, 1-based): chr17:80,112,050, C duplicated. VCF-style (leftmost placement, unchanged base first): chr17-80112049-A-AC. GRCh37 (hg19) VCF-style: chr17-78085848-A-AC.
Other names: c.1704dup, p.Tyr569fs (NM_001079803.3, NM_001079804.3); short protein forms Y569fs.
Identifiers: ClinVar variation 1069100 (VCV001069100.7), dbSNP rs2143883054, ClinGen allele CA2499225014.